The following is an entry in ClinVar:

NM_017827.4(SARS2):c.576C>T (p.Val192=)

Gene: SARS2 (seryl-tRNA synthetase 2, mitochondrial; minus strand). Cytogenetic location: 19q13.2.
Variant type: single nucleotide variant.
Coding change: c.576C>T on transcript NM_017827.4 (MANE Select); coding-DNA position 576, C replaced by T.
Protein change: p.Val192=; no amino-acid change (valine 192 retained).
Molecular consequence: synonymous variant.
Genome position (GRCh38, 1-based): chr19:38,921,405, G>A on the plus strand (C>T on the coding strand, the complement: SARS2 is on the minus strand). VCF-style: chr19-38921405-G-A. GRCh37 (hg19) VCF-style: chr19-39412045-G-A.
Other names: c.582C>T, p.Val194= (NM_001145901.2).
Identifiers: ClinVar variation 378497 (VCV000378497.7), dbSNP rs150249937, ClinGen allele CA9423131.

ClinVar aggregate classification (germline): Benign/Likely benign. Review status: criteria provided, multiple submitters, no conflicts (2 of 4 stars). 3 submissions from 3 submitters: Benign (1); Likely benign (2). Last evaluated 2025-06-12.

Conditions:
Hyperuricemia, pulmonary hypertension, renal failure, alkalosis syndrome (HUPRAS). Also called: HYPERURICEMIA, PULMONARY HYPERTENSION, RENAL FAILURE, AND ALKALOSIS SYNDROME; HUPRA SYNDROME. Identifiers: Orphanet 363694, MedGen C3151209, MONDO:0013458, OMIM 613845.

Allele frequency attached by ClinVar (database versions not stated): 1000 Genomes Project 30x 0.00016; 1000 Genomes Project 0.00020; TOPMed 0.00047; gnomAD 0.00048; ESP Exome Variant Server 0.00054.
gnomAD v4.1: 146 of 1,613,540 alleles (0.009%); highest among the groups gnomAD compares: African/African-American, 0.17%; no homozygotes.

Submissions (3):

Labcorp Genetics (formerly Invitae), Labcorp
Classification: Likely benign. Last evaluated: 2025-06-12. Review status: criteria provided, single submitter. Criteria: Invitae Variant Classification Sherloc (09022015). Collection method: clinical testing. Allele origin: germline.

Fulgent Genetics
Classification: Likely benign for Hyperuricemia, pulmonary hypertension, renal failure, alkalosis syndrome. Last evaluated: 2021-08-09. Review status: criteria provided, single submitter. Criteria: ACMG Guidelines, 2015. Collection method: clinical testing. Allele origin: unknown.

GeneDx
Classification: Benign. Last evaluated: 2015-05-18. Review status: criteria provided, single submitter. Criteria: GeneDx Variant Classification (06012015). Collection method: clinical testing. Allele origin: germline. Affected: yes.
Comment: This variant is considered likely benign or benign based on one or more of the following criteria: it is a conservative change, it occurs at a poorly conserved position in the protein, it is predicted to be benign by multiple in silico algorithms, and/or has population frequency not consistent with disease.